The following is an entry in ClinVar:

NM_002075.4(GNB3):c.152T>A (p.Leu51Ter)

Gene: GNB3 (G protein subunit beta 3; plus strand). Cytogenetic location: 12p13.31.
Variant type: single nucleotide variant.
Coding change: c.152T>A on transcript NM_002075.4 (MANE Select); coding-DNA position 152, T replaced by A.
Protein change: p.Leu51Ter; replaces leucine 51 with a stop codon.
Molecular consequence: nonsense.
Genome position (GRCh38, 1-based): chr12:6,843,025, T>A. VCF-style: chr12-6843025-T-A. GRCh37 (hg19) VCF-style: chr12-6952189-T-A.
Other names: c.152T>A, p.Leu51Ter (NM_001297571.2); short protein forms L51*.
Identifiers: ClinVar variation 2742762 (VCV002742762.3), dbSNP rs2542348086, ClinGen allele CA383671692.

ClinVar aggregate classification (germline): Uncertain significance (1 of 4 stars; one submission).

Submission:

Labcorp Genetics (formerly Invitae), Labcorp
Classification: Uncertain significance. Last evaluated: 2023-11-27. Review status: criteria provided, single submitter. Criteria: Invitae Variant Classification Sherloc (09022015). Collection method: clinical testing. Allele origin: germline.
Comment: This sequence change creates a premature translational stop signal (p.Leu51*) in the GNB3 gene. It is expected to result in an absent or disrupted protein product. However, the current clinical and genetic evidence is not sufficient to establish whether loss-of-function variants in GNB3 cause disease. This variant is not present in population databases (gnomAD no frequency). This variant has not been reported in the literature in individuals affected with GNB3-related conditions. In summary, the available evidence is currently insufficient to determine the role of this variant in disease. Therefore, it has been classified as a Variant of Uncertain Significance.